The following is an entry in ClinVar:

ClinVar aggregate classification (germline): Uncertain significance (1 of 4 stars; one submission).

Conditions:
Hajdu-Cheney syndrome (HJCYS). Also called: ACROOSTEOLYSIS WITH OSTEOPOROSIS AND CHANGES IN SKULL AND MANDIBLE; SERPENTINE FIBULA-POLYCYSTIC KIDNEY SYNDROME; Acroosteolysis dominant type. Identifiers: Orphanet 955, MedGen C0917715, MONDO:0007057, OMIM 102500.

Allele frequency attached by ClinVar (database versions not stated): gnomAD exomes below 0.00001.
gnomAD v4.1: 2 of 1,614,184 alleles (0.00012%); highest among the groups gnomAD compares: Non-Finnish European, 0.00017%; no homozygotes.

Submission:

Labcorp Genetics (formerly Invitae), Labcorp
Classification: Uncertain significance for Hajdu-Cheney syndrome. Last evaluated: 2025-03-17. Review status: criteria provided, single submitter. Criteria: Invitae Variant Classification Sherloc (09022015). Collection method: clinical testing. Allele origin: germline.
Comment: This sequence change replaces arginine, which is basic and polar, with glycine, which is neutral and non-polar, at codon 1111 of the NOTCH2 protein (p.Arg1111Gly). This variant is not present in population databases (gnomAD no frequency). This variant has not been reported in the literature in individuals affected with NOTCH2-related conditions. ClinVar contains an entry for this variant (Variation ID: 2980272). Invitae Evidence Modeling of protein sequence and biophysical properties (such as structural, functional, and spatial information, amino acid conservation, physicochemical variation, residue mobility, and thermodynamic stability) indicates that this missense variant is not expected to disrupt NOTCH2 protein function with a negative predictive value of 80%. In summary, the available evidence is currently insufficient to determine the role of this variant in disease. Therefore, it has been classified as a Variant of Uncertain Significance.

NM_024408.4(NOTCH2):c.3331A>G (p.Arg1111Gly)

Gene: NOTCH2 (notch receptor 2; minus strand). Cytogenetic location: 1p12.
Variant type: single nucleotide variant.
Coding change: c.3331A>G on transcript NM_024408.4 (MANE Select); coding-DNA position 3331, A replaced by G.
Protein change: p.Arg1111Gly; replaces arginine 1111 with glycine.
Molecular consequence: missense variant.
Genome position (GRCh38, 1-based): chr1:119,937,863, T>C on the plus strand (A>G on the coding strand, the complement: NOTCH2 is on the minus strand). VCF-style: chr1-119937863-T-C. GRCh37 (hg19) VCF-style: chr1-120480486-T-C.
Other names: c.3331A>G, p.Arg1111Gly (NM_001200001.2); short protein forms R1111G.
Identifiers: ClinVar variation 2980272 (VCV002980272.3), dbSNP rs2526192557, ClinGen allele CA341852474.